The following is an entry in ClinVar:

ClinVar aggregate classification (germline): Likely benign. Review status: criteria provided, single submitter (1 of 4 stars). 2 submissions from 2 submitters: Likely benign (1). 1 of the submissions does not count toward it. Last evaluated 2024-03-25.

Conditions:
EP300-related disorder. Also called: EP300-related condition; EP300-related disorders.
Rubinstein-Taybi syndrome due to EP300 haploinsufficiency. Also called: EP300-Related Rubinstein-Taybi Syndrome; RUBINSTEIN-TAYBI SYNDROME 2. Identifiers: Orphanet 353284, Orphanet 783, MedGen C3150941, MONDO:0013364, OMIM 613684.

Allele frequency attached by ClinVar (database versions not stated): gnomAD exomes below 0.00001; ExAC 0.00001.
gnomAD v4.1: 2 of 1,613,998 alleles (0.00012%); highest among the groups gnomAD compares: South Asian, 0.0011%; no homozygotes.

Submissions (2):

Labcorp Genetics (formerly Invitae), Labcorp
Classification: Likely benign for Rubinstein-Taybi syndrome due to EP300 haploinsufficiency. Last evaluated: 2024-03-25. Review status: criteria provided, single submitter. Criteria: Invitae Variant Classification Sherloc (09022015). Collection method: clinical testing. Allele origin: germline.

PreventionGenetics, part of Exact Sciences
Classification: Uncertain significance for EP300-related condition. Last evaluated: 2024-03-07. Review status: no assertion criteria provided. Collection method: clinical testing. Allele origin: germline. Not counted in ClinVar's aggregate classification.
Comment: The EP300 c.6920T>G variant is predicted to result in the amino acid substitution p.Val2307Gly. To our knowledge, this variant has not been reported in the literature. This variant is reported in 0.0033% of alleles in individuals of South Asian descent in gnomAD. At this time, the clinical significance of this variant is uncertain due to the absence of conclusive functional and genetic evidence.

NM_001429.4(EP300):c.6920T>G (p.Val2307Gly)

Gene: EP300 (EP300 lysine acetyltransferase; plus strand). Cytogenetic location: 22q13.2.
Variant type: single nucleotide variant.
Coding change: c.6920T>G on transcript NM_001429.4 (MANE Select); coding-DNA position 6920, T replaced by G.
Protein change: p.Val2307Gly; replaces valine 2307 with glycine.
Molecular consequence: missense variant.
Genome position (GRCh38, 1-based): chr22:41,178,631, T>G. VCF-style: chr22-41178631-T-G. GRCh37 (hg19) VCF-style: chr22-41574635-T-G.
Other names: c.6920T>G (NM_001429.3); c.6842T>G, p.Val2281Gly (NM_001362843.2); short protein forms V2307G, V2281G.
Identifiers: ClinVar variation 2819651 (VCV002819651.4), dbSNP rs766271527, ClinGen allele CA10253979.